The following is an entry in ClinVar:

NM_004963.4(GUCY2C):c.843_844delinsGA (p.Phe281_Glu282delinsLeuLys)

Genes: GUCY2C (guanylate cyclase 2C; minus strand), GUCY2C-AS1 (GUCY2C antisense RNA 1; plus strand). Cytogenetic location: 12p12.3.
Variant type: Indel.
Coding change: c.843_844delinsGA on transcript NM_004963.4 (MANE Select); coding-DNA positions 843 to 844, TG replaced by GA.
Protein change: p.Phe281_Glu282delinsLeuLys.
Molecular consequence: missense variant.
Genome position (GRCh38, 1-based): chr12:14,676,958-14,676,959, CA replaced by TC on the plus strand (TG replaced by GA on the coding strand, the reverse complement: GUCY2C is on the minus strand). VCF-style: chr12-14676958-CA-TC. GRCh37 (hg19) VCF-style: chr12-14829892-CA-TC.
Identifiers: ClinVar variation 2993515 (VCV002993515.3), dbSNP rs2497780504, ClinGen allele CA2740092340.

ClinVar aggregate classification (germline): Uncertain significance (1 of 4 stars; one submission).

Submission:

Labcorp Genetics (formerly Invitae), Labcorp
Classification: Uncertain significance. Last evaluated: 2026-01-11. Review status: criteria provided, single submitter. Criteria: Invitae Variant Classification Sherloc (09022015). Collection method: clinical testing. Allele origin: germline.
Comment: This variant, c.843_844delinsGA, is a complex sequence change that results in the deletion of 2 and insertion of 2 amino acid(s) in the GUCY2C protein (p.Phe281_Glu282delinsLeuLys). Information on the frequency of this variant in the gnomAD database is not available, as this variant may be reported differently in the database. This variant has not been reported in the literature in individuals affected with GUCY2C-related conditions. ClinVar contains an entry for this variant (Variation ID: 2993515). Experimental studies and prediction algorithms are not available or were not evaluated, and the functional significance of this variant is currently unknown. In summary, the available evidence is currently insufficient to determine the role of this variant in disease. Therefore, it has been classified as a Variant of Uncertain Significance.